The following is an entry in ClinVar:

NM_000111.3(SLC26A3):c.647C>T (p.Ala216Val)

Gene: SLC26A3 (solute carrier family 26 member 3; minus strand). Cytogenetic location: 7q22.3.
Variant type: single nucleotide variant.
Coding change: c.647C>T on transcript NM_000111.3 (MANE Select); coding-DNA position 647, C replaced by T.
Protein change: p.Ala216Val; replaces alanine 216 with valine.
Molecular consequence: missense variant.
Genome position (GRCh38, 1-based): chr7:107,789,612, G>A on the plus strand (C>T on the coding strand, the complement: SLC26A3 is on the minus strand). VCF-style: chr7-107789612-G-A. GRCh37 (hg19) VCF-style: chr7-107430057-G-A.
Other names: short protein forms A216V.
Identifiers: ClinVar variation 3375313 (VCV003375313.1).

ClinVar aggregate classification (germline): Uncertain significance (1 of 4 stars; one submission).

gnomAD v4.1: 6 of 1,613,682 alleles (0.00037%); highest among the groups gnomAD compares: Admixed American, 0.0017%; no homozygotes.

Submission:

Women's Health and Genetics/Laboratory Corporation of America, LabCorp
Classification: Uncertain significance. Last evaluated: 2024-09-30. Review status: criteria provided, single submitter. Criteria: LabCorp Variant Classification Summary - May 2015. Collection method: clinical testing. Allele origin: germline.
Comment: Variant summary: SLC26A3 c.647C>T (p.Ala216Val) results in a non-conservative amino acid change located in the SLC26A/SulP transporter domain (IPR011547) of the encoded protein sequence. Five of five in-silico tools predict a damaging effect of the variant on protein function. The variant was absent in 251274 control chromosomes (gnomAD). The available data on variant occurrences in the general population are insufficient to allow any conclusion about variant significance. c.647C>T has been reported in the literature in at least an individual affected with clinical features of congenital secretory diarrhea, chloride type (example: Lechner_2011). This report does not provide unequivocal conclusions about association of the variant with Congenital secretory diarrhea, chloride type. To our knowledge, no experimental evidence demonstrating an impact on protein function has been reported. The following publication have been ascertained in the context of this evaluation (PMID: 21694535). No submitters have cited clinical-significance assessments for this variant to ClinVar. Based on the evidence outlined above, the variant was classified as uncertain significance.

Literature cited by the submitters: PubMed 21694535.